The following is an entry in ClinVar:

NM_000969.5(RPL5):c.22A>T (p.Lys8Ter)

Genes: DIPK1A (divergent protein kinase domain 1A; minus strand), RPL5 (ribosomal protein L5; plus strand). Cytogenetic location: 1p22.1.
Variant type: single nucleotide variant.
Coding change: c.22A>T on transcript NM_000969.5 (MANE Select); coding-DNA position 22, A replaced by T.
Protein change: p.Lys8Ter; replaces lysine 8 with a stop codon.
Molecular consequence: nonsense. On other transcripts: non-coding transcript variant (1), intron variant (1).
Genome position (GRCh38, 1-based): chr1:92,833,407, A>T. VCF-style: chr1-92833407-A-T. GRCh37 (hg19) VCF-style: chr1-93298964-A-T.
Other names: c.475-373T>A (NM_001252273.2); short protein forms K8*.
Identifiers: ClinVar variation 1789249 (VCV001789249.2), dbSNP rs2524447634, ClinGen allele CA341240669.

ClinVar aggregate classification (germline): Pathogenic (1 of 4 stars; one submission).

Conditions:
Diamond-Blackfan anemia. Also called: Aase syndrome; Blackfan Diamond syndrome; Aregenerative anemia chronic congenital; Red cell aplasia, pure hereditary; Congenital hypoplastic anemia. Identifiers: Orphanet 124, MedGen C1260899, MeSH D029503, MONDO:0015253, HP:0004810.

Submission:

Ambry Genetics
Classification: Pathogenic for Diamond-Blackfan anemia. Last evaluated: 2014-10-22. Review status: criteria provided, single submitter. Criteria: Ambry Variant Classification Scheme 2023. Collection method: clinical testing. Allele origin: germline.
Comment: The p.K8* pathogenic mutation (also known as c.22A>T) located in coding exon 2 of the RPL5 gene, results from an A to T substitution at nucleotide position 22. This changes the amino acid from a lysine to a stop codon within coding exon 2. Since premature stop codons are typically deleterious in nature, this alteration is interpreted as a disease-causing mutation (ACMG Recommendations for Standards for Interpretation and Reporting of Sequence Variations. Revision 2007. Genet Med. 2008;10:294).